The following is an entry in ClinVar:

ClinVar aggregate classification (germline): Pathogenic (3 of 4 stars; one submission).

Conditions:
Glanzmann thrombasthenia. Also called: BLEEDING DISORDER, PLATELET-TYPE, 2; THROMBASTHENIA OF GLANZMANN AND NAEGELI; Thrombasthenia; PLATELET GLYCOPROTEIN IIb-IIIa DEFICIENCY; Glanzmann's thrombasthenia. Identifiers: Orphanet 849, MedGen C0040015, MONDO:0100326.

Submission:

ClinGen Platelet Disorders Variant Curation Expert Panel, ClinGen
Classification: Pathogenic for Glanzmann thrombasthenia. Last evaluated: 2023-01-17. Review status: reviewed by expert panel. Criteria: ClinGen Platelet ACMG Specifications v2-1. Collection method: curation. Allele origin: germline. Inheritance: Autosomal recessive inheritance.
Comment: The NM_000212.3(ITGB3):c.1990G>T (p.Glu664Ter) nonsense variant is predicted to cause a premature stop codon in biologically-relevant-exon 12/15 and is predicted to lead to nonsense mediated decay in a gene in which loss-of-function is an established mechanism (PVS1). This variant is absent from gnomAD v2.1.1 (PM2_Supporting). Patient 6, of PMID: 31029159, is reported to have a clinical diagnosis of GT and is homozygous for this variant (PM3_supporting). In summary, this variant meets the criteria to be classified as Pathogenic for autosomal recessive Glanzmann Thrombasthenia based on the ACMG/AMP criteria applied, as specified by the ClinGen PD VCEP: PVS1, PM2_supporting, PM3_supporting (VCEP specifications version 2.1).

NM_000212.3(ITGB3):c.1990G>T (p.Glu664Ter)

Gene: ITGB3 (integrin subunit beta 3; plus strand). Cytogenetic location: 17q21.32.
Variant type: single nucleotide variant.
Coding change: c.1990G>T on transcript NM_000212.3 (MANE Select); coding-DNA position 1990, G replaced by T.
Protein change: p.Glu664Ter; replaces glutamic acid 664 with a stop codon.
Molecular consequence: nonsense.
Genome position (GRCh38, 1-based): chr17:47,300,554, G>T. VCF-style: chr17-47300554-G-T. GRCh37 (hg19) VCF-style: chr17-45377920-G-T.
Other names: NM_000212.3:c.1990G>T; short protein forms E664*.
Identifiers: ClinVar variation 2498364 (VCV002498364.2), dbSNP rs373150039, ClinGen allele CA400033003.